The following is an entry in ClinVar:

NM_020884.7(MYH7B):c.3068G>T (p.Arg1023Leu)

Gene: MYH7B (myosin heavy chain 7B; plus strand). Cytogenetic location: 20q11.22.
Variant type: single nucleotide variant.
Coding change: c.3068G>T on transcript NM_020884.7 (MANE Select); coding-DNA position 3068, G replaced by T.
Protein change: p.Arg1023Leu; replaces arginine 1023 with leucine.
Molecular consequence: missense variant.
Genome position (GRCh38, 1-based): chr20:34,996,470, G>T. VCF-style: chr20-34996470-G-T. GRCh37 (hg19) VCF-style: chr20-33584273-G-T.
Other names: short protein forms R1023L.
Identifiers: ClinVar variation 2740751 (VCV002740751.3), dbSNP rs556514656, ClinGen allele CA408709681.

ClinVar aggregate classification (germline): Uncertain significance (1 of 4 stars; one submission).

Submission:

Labcorp Genetics (formerly Invitae), Labcorp
Classification: Uncertain significance. Last evaluated: 2025-03-17. Review status: criteria provided, single submitter. Criteria: Invitae Variant Classification Sherloc (09022015). Collection method: clinical testing. Allele origin: germline.
Comment: This sequence change replaces arginine, which is basic and polar, with leucine, which is neutral and non-polar, at codon 1065 of the MYH7B protein (p.Arg1065Leu). This variant is not present in population databases (gnomAD no frequency). This variant has not been reported in the literature in individuals affected with MYH7B-related conditions. ClinVar contains an entry for this variant (Variation ID: 2740751). Invitae Evidence Modeling of protein sequence and biophysical properties (such as structural, functional, and spatial information, amino acid conservation, physicochemical variation, residue mobility, and thermodynamic stability) indicates that this missense variant is expected to disrupt MYH7B protein function with a positive predictive value of 80%. In summary, the available evidence is currently insufficient to determine the role of this variant in disease. Therefore, it has been classified as a Variant of Uncertain Significance.